The following is an entry in ClinVar:

NM_148960.3(CLDN19):c.*91A>G

Gene: CLDN19 (claudin 19; minus strand). Cytogenetic location: 1p34.2.
Variant type: single nucleotide variant.
Coding change: c.*91A>G on transcript NM_148960.3 (MANE Select); 91 bases downstream of the stop codon, A replaced by G.
Molecular consequence: 3 prime UTR variant.
Genome position (GRCh38, 1-based): chr1:42,734,995, T>C on the plus strand (A>G on the coding strand, the complement: CLDN19 is on the minus strand). VCF-style: chr1-42734995-T-C. GRCh37 (hg19) VCF-style: chr1-43200666-T-C.
Other names: c.*873A>G (NM_001123395.2); c.*767A>G (NM_001185117.2).
Identifiers: ClinVar variation 297337 (VCV000297337.7), dbSNP rs77236131, ClinGen allele CA10611200.

ClinVar aggregate classification (germline): Benign. Review status: criteria provided, multiple submitters, no conflicts (2 of 4 stars). 3 submissions from 3 submitters: Benign (3). Last evaluated 2020-09-01.

Conditions:
Renal hypomagnesemia 5 with ocular involvement. Also called: FHHNC WITH SEVERE OCULAR INVOLVEMENT; HYPOMAGNESEMIA, FAMILIAL, WITH HYPERCALCIURIA, NEPHROCALCINOSIS, AND SEVERE OCULAR INVOLVEMENT; MACULAR COLOBOMA, BILATERAL, WITH HYPERCALCIURIA; HYPOMAGNESEMIA 5, RENAL, WITH OR WITHOUT OCULAR INVOLVEMENT. Identifiers: Orphanet 2196, MedGen C4721891, MONDO:0009548, OMIM 248190.

Allele frequency attached by ClinVar (database versions not stated): gnomAD 0.01685 and 0.01800; TOPMed 0.01893; 1000 Genomes Project 0.02037; 1000 Genomes Project 30x 0.02217.

Submissions (3):

GeneDx
Classification: Benign. Last evaluated: 2020-09-01. Review status: criteria provided, single submitter. Criteria: GeneDx Variant Classification Process June 2021. Collection method: clinical testing. Allele origin: germline. Affected: yes.

Illumina Laboratory Services, Illumina
Classification: Benign for Renal hypomagnesemia 5 with ocular involvement. Last evaluated: 2018-01-13. Review status: criteria provided, single submitter. Criteria: ICSL Variant Classification Criteria 13 December 2019. Collection method: clinical testing. Allele origin: germline.
Comment: This variant was observed in the ICSL laboratory as part of a predisposition screen in an ostensibly healthy population. It had not been previously curated by ICSL or reported in the Human Gene Mutation Database (HGMD: prior to June 1st, 2018), and was therefore a candidate for classification through an automated scoring system. Utilizing variant allele frequency, disease prevalence and penetrance estimates, and inheritance mode, an automated score was calculated to assess if this variant is too frequent to cause the disease. Based on the score and internal cut-off values, a variant classified as benign is not then subjected to further curation. The score for this variant resulted in a classification of benign for this disease.

Breakthrough Genomics
Classification: Benign. Review status: criteria provided, single submitter. Criteria: ACMG Guidelines, 2015. Collection method: not provided. Allele origin: germline. Inheritance: Autosomal recessive inheritance. Affected: yes.